The following is an entry in ClinVar:

NM_007294.4(BRCA1):c.2955del (p.Ile986fs)

Gene: BRCA1 (BRCA1 DNA repair associated; minus strand). Cytogenetic location: 17q21.31.
Variant type: Deletion.
Coding change: c.2955del on transcript NM_007294.4 (MANE Select); coding-DNA position 2955, one base deleted (C; older notation c.2955delC).
Protein change: p.Ile986fs; shifts the reading frame from isoleucine 986.
Molecular consequence: frameshift variant. On other transcripts: intron variant (137).
Genome position (GRCh38, 1-based): chr17:43,092,576, G deleted on the plus strand (C on the coding strand, the reverse complement: BRCA1 is on the minus strand); the first of 3 consecutive G bases (chr17:43,092,576-43,092,578); deleting any one gives the same sequence. VCF-style (leftmost placement, unchanged base first): chr17-43092575-TG-T. GRCh37 (hg19) VCF-style: chr17-41244592-TG-T.
Other names: 3074delC; c.2955delC (NM_007294.3); c.2742del, p.Ile915fs (NM_001407571.1, NM_001407853.1, NM_001407894.1 and 9 more transcripts); c.2955del, p.Ile986fs (NM_001407581.1, NM_001407582.1, NM_001407583.1 and 30 more transcripts); c.2952del, p.Ile985fs (NM_001407587.1, NM_001407590.1, NM_001407591.1 and 22 more transcripts); c.2946del, p.Ile983fs (NM_001407646.1, NM_001407647.1); c.2832del, p.Ile945fs (NM_001407648.1, NM_001407664.1, NM_001407665.1 and 19 more transcripts); c.2829del, p.Ile944fs (NM_001407649.1, NM_001407670.1, NM_001407671.1 and 11 more transcripts); and 43 more; short protein forms I939fs, I986fs, I874fs, I898fs, I944fs, I959fs, I690fs, I818fs.
Identifiers: ClinVar variation 54731 (VCV000054731.10), dbSNP rs397509027, ClinGen allele CA001925.
Genomic context (GRCh38, chr17:43,092,575, plus strand): 5'-GTTCCTCAAAGTTTTCCTCTAGCAGATTTTTCTTACATTTAGTTTTAACAAATGACTTGA[TG>T]GGAAAAAGTGGTGGTATACGATATGGGTTTTGTAAAAGTCCATGTTTATTTGGAGTAATG-3'

ClinVar aggregate classification (germline): Pathogenic. Review status: reviewed by expert panel (3 of 4 stars). 5 submissions from 5 submitters: Pathogenic (1). 4 of the submissions do not count toward it. Last evaluated 2016-09-08.

Conditions:
Hereditary cancer-predisposing syndrome. Also called: Tumor predisposition; Neoplastic Syndromes, Hereditary; Hereditary Cancer Syndrome; Hereditary neoplastic syndrome. Identifiers: Orphanet 140162, MedGen C0027672, MeSH D009386, MONDO:0015356.
Hereditary breast ovarian cancer syndrome. Also called: Hereditary breast and ovarian cancer syndrome (HBOC); Hereditary breast and ovarian cancer syndrome; Hereditary breast and ovarian cancer; Hereditary breast and/or ovarian cancer syndrome; Breast and ovarian cancer; BRCA1- and BRCA2-Associated Hereditary Breast and Ovarian Cancer. Identifiers: Orphanet 145, MedGen C0677776, MeSH D061325, MONDO:0003582. Disease mechanism: loss of function.
Breast-ovarian cancer, familial, susceptibility to, 1 (BROVCA1). Also called: OVARIAN CANCER, SUSCEPTIBILITY TO; BRCA1 Hereditary Breast and Ovarian Cancer. Identifiers: Orphanet 145, MedGen C2676676, MONDO:0011450, OMIM 604370. Disease mechanism: loss of function.

Submissions (5):

Evidence-based Network for the Interpretation of Germline Mutant Alleles (ENIGMA)
Classification: Pathogenic for Breast-ovarian cancer, familial, susceptibility to, 1. Last evaluated: 2016-09-08. Review status: reviewed by expert panel. Criteria: ENIGMA BRCA1/2 Classification Criteria (2015). Collection method: curation. Allele origin: germline.
Comment: Variant allele predicted to encode a truncated non-functional protein.

Molecular Pathology, Peter Maccallum Cancer Centre
Classification: Pathogenic for Breast-ovarian cancer, familial, susceptibility to, 1. Last evaluated: 2024-04-03. Review status: criteria provided, single submitter. Criteria: ACMG Guidelines, 2015. Collection method: clinical testing. Allele origin: germline. Inheritance: Autosomal dominant inheritance. Not counted in ClinVar's aggregate classification.

Labcorp Genetics (formerly Invitae), Labcorp
Classification: Pathogenic for Hereditary breast ovarian cancer syndrome. Last evaluated: 2023-09-03. Review status: criteria provided, single submitter. Criteria: Invitae Variant Classification Sherloc (09022015). Collection method: clinical testing. Allele origin: germline. Not counted in ClinVar's aggregate classification.
Comment: For these reasons, this variant has been classified as Pathogenic. This sequence change creates a premature translational stop signal (p.Ile986Serfs*14) in the BRCA1 gene. It is expected to result in an absent or disrupted protein product. Loss-of-function variants in BRCA1 are known to be pathogenic (PMID: 20104584). This variant is not present in population databases (gnomAD no frequency). This premature translational stop signal has been observed in individual(s) with breast cancer (PMID: 22333603). ClinVar contains an entry for this variant (Variation ID: 54731).

Ambry Genetics
Classification: Pathogenic for Hereditary cancer-predisposing syndrome. Last evaluated: 2021-07-16. Review status: criteria provided, single submitter. Criteria: Ambry Variant Classification Scheme 2023. Collection method: clinical testing. Allele origin: germline. Not counted in ClinVar's aggregate classification.
Comment: The c.2955delC pathogenic mutation, located in coding exon 9 of the BRCA1 gene, results from a deletion of one nucleotide at nucleotide position 2955, causing a translational frameshift with a predicted alternate stop codon (p.I986Sfs*14). In addition to the clinical data presented in the literature, this alteration is expected to result in loss of function by premature protein truncation or nonsense-mediated mRNA decay. As such, this alteration is interpreted as a disease-causing mutation.

Sharing Clinical Reports Project (SCRP)
Classification: Pathogenic for Breast-ovarian cancer, familial 1. Last evaluated: 2013-04-03. Review status: no assertion criteria provided. Collection method: clinical testing. Allele origin: germline. Not counted in ClinVar's aggregate classification.

Literature cited by the submitters: PubMed 20104584 (cited by Labcorp Genetics (formerly Invitae), Labcorp); PubMed 22333603 (cited by Labcorp Genetics (formerly Invitae), Labcorp and Ambry Genetics).